The following is an entry in ClinVar:

ClinVar aggregate classification (germline): Conflicting classifications of pathogenicity. Review status: criteria provided, conflicting classifications (1 of 4 stars). 4 submissions from 4 submitters: Uncertain significance (1); Likely benign (3). Last evaluated 2026-01-19.

Conditions:
Autosomal recessive limb-girdle muscular dystrophy type 2J (LGMDR10). Also called: Limb-girdle muscular dystrophy, type 2J; MUSCULAR DYSTROPHY, LIMB-GIRDLE, AUTOSOMAL RECESSIVE 10. Identifiers: Orphanet 140922, MedGen C1837342, MONDO:0012127, OMIM 608807.
Dilated cardiomyopathy 1G (CMD1G). Identifiers: Orphanet 154, MedGen C1858763, MONDO:0011400, OMIM 604145.
Cardiovascular phenotype. Identifiers: MedGen CN230736.

Allele frequency attached by ClinVar (database versions not stated): TOPMed below 0.00001; gnomAD 0.00001; ExAC 0.00002; gnomAD exomes 0.00002 and 0.00006.

Submissions (4):

Labcorp Genetics (formerly Invitae), Labcorp
Classification: Likely benign for Dilated cardiomyopathy 1G; Autosomal recessive limb-girdle muscular dystrophy type 2J. Last evaluated: 2026-01-19. Review status: criteria provided, single submitter. Criteria: Invitae Variant Classification Sherloc (09022015). Collection method: clinical testing. Allele origin: germline.

Ambry Genetics
Classification: Likely benign for Cardiovascular phenotype. Last evaluated: 2020-03-06. Review status: criteria provided, single submitter. Criteria: Ambry Variant Classification Scheme 2023. Collection method: clinical testing. Allele origin: germline.

Revvity Omics, Revvity
Classification: Uncertain significance. Last evaluated: 2019-06-28. Review status: criteria provided, single submitter. Criteria: ACMG Guidelines, 2015. Collection method: clinical testing. Allele origin: germline.

GeneDx
Classification: Likely benign. Last evaluated: 2017-01-10. Review status: criteria provided, single submitter. Criteria: GeneDx Variant Classification (06012015). Collection method: clinical testing. Allele origin: germline. Affected: yes.
Comment: This variant is considered likely benign or benign based on one or more of the following criteria: it is a conservative change, it occurs at a poorly conserved position in the protein, it is predicted to be benign by multiple in silico algorithms, and/or has population frequency not consistent with disease.

NM_001267550.2(TTN):c.71667T>C (p.Ser23889=)

Genes: TTN-AS1 (TTN antisense RNA 1; plus strand), TTN (titin; minus strand). Cytogenetic location: 2q31.2.
Variant type: single nucleotide variant.
Coding change: c.71667T>C on transcript NM_001267550.2 (MANE Select); coding-DNA position 71667, T replaced by C.
Protein change: p.Ser23889=; no amino-acid change (serine 23889 retained).
Molecular consequence: synonymous variant.
Genome position (GRCh38, 1-based): chr2:178,574,465, A>G on the plus strand (T>C on the coding strand, the complement: TTN is on the minus strand). VCF-style: chr2-178574465-A-G. GRCh37 (hg19) VCF-style: chr2-179439192-A-G.
Other names: c.66744T>C, p.Ser22248= (NM_001256850.1); c.44472T>C, p.Ser14824= (NM_003319.4); c.63963T>C, p.Ser21321= (NM_133378.4); c.44847T>C, p.Ser14949= (NM_133432.3); c.45048T>C, p.Ser15016= (NM_133437.4).
Identifiers: ClinVar variation 392697 (VCV000392697.16), dbSNP rs756824434, ClinGen allele CA1990604.
Genomic context (GRCh38, chr2:178,574,465, plus strand): 5'-TTTGCCTGCCATGTTTTCTGCAATCACCCGGAACTCATAAGCAATACCATCTGTAAGTCC[A>G]CTTGATTTGAAAATGTTGCCTGGTACTAAAGCTTTGCTCACAGTCTGCCAGAGAATACCA-3'
Protein context (NP_001254479.2, residues 23879-23899): ALVPGNIFKS[Ser23889=]GLTDGIAYEF